The following is an entry in ClinVar:

NM_001042492.3(NF1):c.3671_3674dup (p.Met1225fs)

Gene: NF1 (neurofibromin 1; plus strand). Cytogenetic location: 17q11.2.
Variant type: Duplication.
Coding change: c.3671_3674dup on transcript NM_001042492.3 (MANE Select); coding-DNA positions 3671 to 3674, 4 bases duplicated (CGAT; older notation c.3671_3674dupCGAT).
Protein change: p.Met1225fs; shifts the reading frame from methionine 1225.
Molecular consequence: frameshift variant.
Genome position (GRCh38, 1-based): chr17:31,233,176-31,233,179, CGAT duplicated. VCF-style (leftmost placement, unchanged base first): chr17-31233175-G-GCGAT. GRCh37 (hg19) VCF-style: chr17-29560193-G-GCGAT.
Other names: c.3671_3674dup, p.Met1225Ilefs (NM_000267.4); c.3671_3674dupCGAT (NM_000267.3); short protein forms M1225fs.
Identifiers: ClinVar variation 4018322 (VCV004018322.1).

ClinVar aggregate classification (germline): Pathogenic (1 of 4 stars; one submission).

Conditions:
Cardiovascular phenotype. Identifiers: MedGen CN230736.
Hereditary cancer-predisposing syndrome. Also called: Tumor predisposition; Hereditary neoplastic syndrome; Neoplastic Syndromes, Hereditary; Hereditary Cancer Syndrome. Identifiers: Orphanet 140162, MedGen C0027672, MeSH D009386, MONDO:0015356.

Submission:

Ambry Genetics
Classification: Pathogenic for Cardiovascular phenotype; Hereditary cancer-predisposing syndrome. Last evaluated: 2025-04-24. Review status: criteria provided, single submitter. Criteria: Ambry Variant Classification Scheme 2023. Collection method: clinical testing. Allele origin: germline.
Comment: The c.3671_3674dupCGAT pathogenic mutation, located in coding exon 27 of the NF1 gene, results from a duplication of CGAT at nucleotide position 3671, causing a translational frameshift with a predicted alternate stop codon (p.M1225Ifs*15). This variant is considered to be rare based on population cohorts in the Genome Aggregation Database (gnomAD). This alteration is expected to result in loss of function by premature protein truncation or nonsense-mediated mRNA decay. As such, this alteration is interpreted as a disease-causing mutation.